The following is an entry in ClinVar:

NM_004218.4(RAB11B):c.169G>A (p.Gly57Ser)

Gene: RAB11B (RAB11B, member RAS oncogene family; plus strand). Cytogenetic location: 19p13.2.
Variant type: single nucleotide variant.
Coding change: c.169G>A on transcript NM_004218.4 (MANE Select); coding-DNA position 169, G replaced by A.
Protein change: p.Gly57Ser; replaces glycine 57 with serine.
Molecular consequence: missense variant.
Genome position (GRCh38, 1-based): chr19:8,399,991, G>A. VCF-style: chr19-8399991-G-A. GRCh37 (hg19) VCF-style: chr19-8464875-G-A.
Other names: c.169G>A (NM_004218.3); short protein forms G57S.
Identifiers: ClinVar variation 2197052 (VCV002197052.5), dbSNP rs753519320, ClinGen allele CA9156299.

ClinVar aggregate classification (germline): Uncertain significance. Review status: criteria provided, multiple submitters, no conflicts (2 of 4 stars). 2 submissions from 2 submitters: Uncertain significance (2). Last evaluated 2024-02-17.

Conditions:
Inborn genetic diseases. Identifiers: MedGen C0950123, MeSH D030342.

Allele frequency attached by ClinVar (database versions not stated): TOPMed below 0.00001; ExAC 0.00001.

Submissions (2):

Ambry Genetics
Classification: Uncertain significance for Inborn genetic diseases. Last evaluated: 2024-02-17. Review status: criteria provided, single submitter. Criteria: Ambry Variant Classification Scheme 2023. Collection method: clinical testing. Allele origin: germline.

Labcorp Genetics (formerly Invitae), Labcorp
Classification: Uncertain significance. Last evaluated: 2022-09-04. Review status: criteria provided, single submitter. Criteria: Invitae Variant Classification Sherloc (09022015). Collection method: clinical testing. Allele origin: germline.
Comment: In summary, the available evidence is currently insufficient to determine the role of this variant in disease. Therefore, it has been classified as a Variant of Uncertain Significance. Algorithms developed to predict the effect of missense changes on protein structure and function are either unavailable or do not agree on the potential impact of this missense change (SIFT: "Deleterious"; PolyPhen-2: "Benign"; Align-GVGD: "Class C55"). This variant has not been reported in the literature in individuals affected with RAB11B-related conditions. This variant is present in population databases (rs753519320, gnomAD 0.003%). This sequence change replaces glycine, which is neutral and non-polar, with serine, which is neutral and polar, at codon 57 of the RAB11B protein (p.Gly57Ser).